The following is an entry in ClinVar:

ClinVar aggregate classification (germline): Benign/Likely benign. Review status: criteria provided, multiple submitters, no conflicts (2 of 4 stars). 6 submissions from 6 submitters: Benign (1); Likely benign (5). Last evaluated 2026-05-06.

Conditions:
MET-related disorder. Also called: MET-related condition.
Renal cell carcinoma. Identifiers: Orphanet 217071, MedGen C0007134, MeSH D002292, MONDO:0005086, HP:0005584.
Hereditary cancer-predisposing syndrome. Also called: Hereditary Cancer Syndrome; Tumor predisposition; Hereditary neoplastic syndrome; Neoplastic Syndromes, Hereditary. Identifiers: Orphanet 140162, MedGen C0027672, MeSH D009386, MONDO:0015356.
Papillary renal cell carcinoma type 1 (RCCP1). Also called: Renal adenocarcinoma; Renal cell carcinoma 1; Renal cell carcinoma, somatic; RENAL CELL CARCINOMA, PAPILLARY, 1, SOMATIC. Identifiers: Orphanet 47044, MedGen C1336839, OMIM 605074, HP:0011797.

Allele frequency attached by ClinVar (database versions not stated): gnomAD 0.00001 and 0.00005; gnomAD exomes 0.00006 and 0.00008; TOPMed 0.00006; ESP Exome Variant Server 0.00008; ExAC 0.00009; 1000 Genomes Project 30x 0.00094; 1000 Genomes Project 0.00120.
gnomAD v4.1: 58 of 1,614,166 alleles (0.0036%); highest among the groups gnomAD compares: East Asian, 0.11%; 1 homozygote.

Submissions (6):

PreventionGenetics, part of Exact Sciences
Classification: Likely benign for MET-related condition. Last evaluated: 2026-05-06. Review status: criteria provided, single submitter. Criteria: ACMG Guidelines, 2015. Collection method: clinical testing. Allele origin: germline.
Comment: This variant is classified as likely benign based on ACMG/AMP sequence variant interpretation guidelines (Richards et al. 2015 PMID: 25741868, with internal and published modifications).

Labcorp Genetics (formerly Invitae), Labcorp
Classification: Likely benign for Renal cell carcinoma. Last evaluated: 2026-01-24. Review status: criteria provided, single submitter. Criteria: Invitae Variant Classification Sherloc (09022015). Collection method: clinical testing. Allele origin: germline.

Center for Genomic Medicine, Rigshospitalet, Copenhagen University Hospital
Classification: Likely benign. Last evaluated: 2025-03-04. Review status: criteria provided, single submitter. Criteria: ACMG Guidelines, 2015. Collection method: clinical testing. Allele origin: germline.

Myriad Genetics, Inc.
Classification: Benign for Papillary renal cell carcinoma type 1. Last evaluated: 2024-11-07. Review status: criteria provided, single submitter. Criteria: Myriad Autosomal Dominant, Autosomal Recessive and X-Linked Classification Criteria (2023). Collection method: clinical testing. Allele origin: unknown.
Comment: This variant is considered benign. This variant is a silent/synonymous amino acid change and it is not expected to impact splicing.

Blueprint Genetics
Classification: Likely benign. Last evaluated: 2020-11-11. Review status: criteria provided, single submitter. Criteria: ACMG Guidelines, 2015. Collection method: clinical testing. Allele origin: germline.

Ambry Genetics
Classification: Likely benign for Hereditary cancer-predisposing syndrome. Last evaluated: 2016-04-04. Review status: criteria provided, single submitter. Criteria: Ambry Variant Classification Scheme 2023. Collection method: clinical testing. Allele origin: germline.

NM_000245.4(MET):c.1584A>G (p.Gln528=)

Gene: MET (MET proto-oncogene, receptor tyrosine kinase; plus strand). Cytogenetic location: 7q31.2.
Variant type: single nucleotide variant.
Coding change: c.1584A>G on transcript NM_000245.4 (MANE Select); coding-DNA position 1584, A replaced by G.
Protein change: p.Gln528=; no amino-acid change (glutamine 528 retained).
Molecular consequence: synonymous variant.
Genome position (GRCh38, 1-based): chr7:116,740,908, A>G. VCF-style: chr7-116740908-A-G. GRCh37 (hg19) VCF-style: chr7-116380962-A-G.
Other names: c.1584A>G, p.Gln528= (NM_001127500.3, NM_001324401.3); c.294A>G, p.Gln98= (NM_001324402.2); c.1584A>G (NM_001127500.2).
Identifiers: ClinVar variation 416947 (VCV000416947.23), dbSNP rs55755322, ClinGen allele CA4448205.
Genomic context (GRCh38, chr7:116,740,908, plus strand): 5'-ACAGATCACGAAGATCCCATTGAATGGCTTGGGCTGCAGACATTTCCAGTCCTGCAGTCA[A>G]TGCCTCTCTGCCCCACCCTTTGTTCAGTGTGGCTGGTGCCACGACAAATGTGTGCGATCG-3'
Protein context (NP_000236.2, residues 518-538): LGCRHFQSCS[Gln528=]CLSAPPFVQC